The following is an entry in ClinVar:

ClinVar aggregate classification (germline): Uncertain significance (1 of 4 stars; one submission).

Conditions:
Hereditary cancer-predisposing syndrome. Also called: Neoplastic Syndromes, Hereditary; Tumor predisposition; Hereditary neoplastic syndrome; Hereditary Cancer Syndrome. Identifiers: Orphanet 140162, MedGen C0027672, MeSH D009386, MONDO:0015356.

gnomAD v4.1: 2 of 1,609,012 alleles (0.00012%); highest among the groups gnomAD compares: South Asian, 0.0011%; no homozygotes.

Submission:

Ambry Genetics
Classification: Uncertain significance for Hereditary cancer-predisposing syndrome. Last evaluated: 2026-07-02. Review status: criteria provided, single submitter. Criteria: Ambry Variant Classification Scheme 2023. Collection method: clinical testing. Allele origin: germline.
Comment: The p.V19A variant (also known as c.56T>C), located in coding exon 1 of the MEN1 gene, results from a T to C substitution at nucleotide position 56. The valine at codon 19 is replaced by alanine, an amino acid with similar properties. This amino acid position is conserved. In addition, this alteration is predicted to be deleterious by in silico analysis. Based on the available evidence, the clinical significance of this variant remains unclear.

NM_001370259.2(MEN1):c.56T>C (p.Val19Ala)

Gene: MEN1 (menin 1; minus strand). Cytogenetic location: 11q13.1.
Variant type: single nucleotide variant.
Coding change: c.56T>C on transcript NM_001370259.2 (MANE Select); coding-DNA position 56, T replaced by C.
Protein change: p.Val19Ala; replaces valine 19 with alanine.
Molecular consequence: missense variant. On other transcripts: non-coding transcript variant (4).
Genome position (GRCh38, 1-based): chr11:64,810,054, A>G on the plus strand (T>C on the coding strand, the complement: MEN1 is on the minus strand). VCF-style: chr11-64810054-A-G. GRCh37 (hg19) VCF-style: chr11-64577526-A-G.
Other names: c.56T>C, p.Val19Ala (NM_001407142.1, NM_001407143.1, NM_001407144.1 and 20 more transcripts); short protein forms V19A.
Identifiers: ClinVar variation 5024267 (VCV005024267.1).
Genomic context (GRCh38, chr11:64,810,054, plus strand): 5'-AAGGAAAGGAGCACCAGGTCCGGCTCCTCTCGGCCCAGCTCGGCAGCAAACAGGCGCACC[A>G]CGTCGTCGATGGAGCGCAGCGGGAACAGCGTCTTCTGGGCGGCCTTCAGCCCCATGGCGG-3'
Protein context (NP_001357188.2, residues 9-29): TLFPLRSIDD[Val19Ala]VRLFAAELGR